The following is an entry in ClinVar:

ClinVar aggregate classification (germline): Uncertain significance (1 of 4 stars; one submission).

Submission:

Women's Health and Genetics/Laboratory Corporation of America, LabCorp
Classification: Uncertain significance. Last evaluated: 2024-11-13. Review status: criteria provided, single submitter. Criteria: LabCorp Variant Classification Summary - May 2015. Collection method: clinical testing. Allele origin: germline.
Comment: Variant summary: GATA3 c.111C>A (p.Asp37Glu) results in a conservative amino acid change in the encoded protein sequence. Three of five in-silico tools predict a benign effect of the variant on protein function. The variant was absent in 206994 control chromosomes. The available data on variant occurrences in the general population are insufficient to allow any conclusion about variant significance. To our knowledge, no occurrence of c.111C>A in individuals affected with Hypoparathyroidism, Deafness, Renal Disease Syndrome and no experimental evidence demonstrating its impact on protein function have been reported. No submitters have cited clinical-significance assessments for this variant to ClinVar. Based on the evidence outlined above, the variant was classified as uncertain significance.

NM_001002295.2(GATA3):c.111C>A (p.Asp37Glu)

Gene: GATA3 (GATA binding protein 3; plus strand). Cytogenetic location: 10p14.
Variant type: single nucleotide variant.
Coding change: c.111C>A on transcript NM_001002295.2 (MANE Select); coding-DNA position 111, C replaced by A.
Protein change: p.Asp37Glu; replaces aspartic acid 37 with glutamic acid.
Molecular consequence: missense variant.
Genome position (GRCh38, 1-based): chr10:8,055,766, C>A. VCF-style: chr10-8055766-C-A. GRCh37 (hg19) VCF-style: chr10-8097729-C-A.
Other names: c.111C>A, p.Asp37Glu (NM_002051.3); short protein forms D37E.
Identifiers: ClinVar variation 3629669 (VCV003629669.1).
Genomic context (GRCh38, chr10:8,055,766, plus strand): 5'-CGTGCTCAACGGGCAGCACCCGGACACGCACCACCCGGGCCTCAGCCACTCCTACATGGA[C>A]GCGGCGCAGTACCCGCTGCCGGAGGAGGTGGATGTGCTTTTTAACATCGACGGTCAAGGC-3'
Protein context (NP_001002295.1, residues 27-47): HHPGLSHSYM[Asp37Glu]AAQYPLPEEV